The following is an entry in ClinVar:

ClinVar aggregate classification (germline): Uncertain significance (1 of 4 stars; one submission).

Conditions:
Autosomal dominant hypocalcemia 1 (HYPOC1). Also called: HYPOCALCEMIA, FAMILIAL. Identifiers: MedGen C3715128, MONDO:0011013, OMIM 601198.
Familial hypocalciuric hypercalcemia (FHH). Also called: Familial benign hypercalcemia. Identifiers: Orphanet 405, MedGen C1809471, MONDO:0018458.

Submission:

Labcorp Genetics (formerly Invitae), Labcorp
Classification: Uncertain significance for Familial hypocalciuric hypercalcemia; Autosomal dominant hypocalcemia 1. Last evaluated: 2024-05-28. Review status: criteria provided, single submitter. Criteria: Invitae Variant Classification Sherloc (09022015). Collection method: clinical testing. Allele origin: germline.
Comment: This sequence change replaces alanine, which is neutral and non-polar, with valine, which is neutral and non-polar, at codon 110 of the CASR protein (p.Ala110Val). This variant is not present in population databases (gnomAD no frequency). This variant has not been reported in the literature in individuals affected with CASR-related conditions. An algorithm developed to predict the effect of missense changes on protein structure and function (PolyPhen-2) suggests that this variant is likely to be disruptive. In summary, the available evidence is currently insufficient to determine the role of this variant in disease. Therefore, it has been classified as a Variant of Uncertain Significance.

NM_000388.4(CASR):c.329C>T (p.Ala110Val)

Gene: CASR (calcium sensing receptor; plus strand). Cytogenetic location: 3q21.1.
Variant type: single nucleotide variant.
Coding change: c.329C>T on transcript NM_000388.4 (MANE Select); coding-DNA position 329, C replaced by T.
Protein change: p.Ala110Val; replaces alanine 110 with valine.
Molecular consequence: missense variant.
Genome position (GRCh38, 1-based): chr3:122,257,224, C>T. VCF-style: chr3-122257224-C-T. GRCh37 (hg19) VCF-style: chr3-121976071-C-T.
Other names: c.329C>T, p.Ala110Val (NM_001178065.2); short protein forms A110V.
Identifiers: ClinVar variation 2944757 (VCV002944757.3), dbSNP rs1559956624, ClinGen allele CA354362662.